The following continues an entry in ClinVar:

NM_007294.4(BRCA1):c.4258C>T (p.Gln1420Ter)

Gene: BRCA1. ClinVar aggregate classification (germline): Pathogenic. Pathogenic (1).

Submissions 11 to 19 of 19:

Quest Diagnostics Nichols Institute San Juan Capistrano
Classification: Pathogenic. Last evaluated: 2021-05-04. Review status: criteria provided, single submitter. Criteria: Quest Diagnostics criteria. Collection method: clinical testing. Allele origin: unknown. Not counted in ClinVar's aggregate classification.
Comment: This nonsense variant causes the premature termination of BRCA1 protein synthesis. In addition, it has been reported in individuals affected with breast or ovarian cancer in the published literature (PMIDs: 18627636 (2008) and 26306726 (2015)). This variant has not been reported in large, multi-ethnic general populations. Therefore, the variant is classified as pathogenic.

GeneKor MSA
Classification: Pathogenic for Breast-ovarian cancer, familial 1. Last evaluated: 2020-01-01. Review status: criteria provided, single submitter. Criteria: ACMG Guidelines, 2015. Collection method: clinical testing. Allele origin: germline. Affected: yes. Not counted in ClinVar's aggregate classification.
Comment: This variant is a single amino acid change from Glutamine to a Termination codon at amino acid residue 1420 of the BRCA1 gene. It is expected to result in a truncated, non-functional protein. This variant is also known as c.4377C>T in the literature has been reported in patients with breast and/or ovarian cancer (PMID: 18627636, 26306726). The mutation database ClinVar contains entries for this variant (Variation ID: 55155).

Mendelics
Classification: Pathogenic for Hereditary breast and ovarian cancer syndrome. Last evaluated: 2018-07-02. Review status: criteria provided, single submitter. Criteria: Mendelics Assertion Criteria 2017. Collection method: clinical testing. Allele origin: unknown. Not counted in ClinVar's aggregate classification.

Consortium of Investigators of Modifiers of BRCA1/2 (CIMBA), c/o University of Cambridge
Classification: Pathogenic for Breast-ovarian cancer, familial, susceptibility to, 1. Last evaluated: 2015-10-02. Review status: criteria provided, single submitter. Criteria: CIMBA Mutation Classification guidelines May 2016. Collection method: clinical testing. Allele origin: germline. Not counted in ClinVar's aggregate classification.

Institute of Genomics, University of Tartu
Classification: Pathogenic for Breast-ovarian cancer, familial, susceptibility to, 1. Review status: criteria provided, single submitter. Criteria: ACMG Guidelines, 2015. Collection method: research. Allele origin: germline. Affected: no. Observed: 1 variant allele. Not counted in ClinVar's aggregate classification.

BRCAlab, Lund University
Classification: Pathogenic for Breast-ovarian cancer, familial, susceptibility to, 1. Last evaluated: 2022-08-26. Review status: no assertion criteria provided. Collection method: clinical testing. Allele origin: germline. Affected: yes. Not counted in ClinVar's aggregate classification.

Research Molecular Genetics Laboratory, Women's College Hospital, University of Toronto
Classification: Pathogenic for Hereditary breast ovarian cancer syndrome. Last evaluated: 2014-01-31. Review status: no assertion criteria provided. Collection method: research. Allele origin: germline. Affected: yes. Study: The Canadian Open Genetics Repository (COGR). Not counted in ClinVar's aggregate classification.

Sharing Clinical Reports Project (SCRP)
Classification: Pathogenic for Breast-ovarian cancer, familial 1. Last evaluated: 2013-04-24. Review status: no assertion criteria provided. Collection method: clinical testing. Allele origin: germline. Not counted in ClinVar's aggregate classification.

Breast Cancer Information Core (BIC) (BRCA1)
Classification: Pathogenic for Breast-ovarian cancer, familial 1. Last evaluated: 1999-06-22. Review status: no assertion criteria provided. Collection method: clinical testing. Allele origin: germline. Affected: yes. Observed: 2 variant alleles. Not counted in ClinVar's aggregate classification.

Literature cited by the submitters: PubMed 20104584 (cited by Labcorp Genetics (formerly Invitae), Labcorp); PubMed 18627636 (cited by 6 submitters); PubMed 21120943 (cited by 3 submitters); PubMed 26306726 (cited by 6 submitters); PubMed 29446198 (cited by Dasa and Sema4); PubMed 28993434 (cited by Ambry Genetics); PubMed 32341426 (cited by Ambry Genetics); PubMed 33471991 (cited by Ambry Genetics); PubMed 24578176 (cited by Women's Health and Genetics/Laboratory Corporation of America, LabCorp); PubMed 9796975 (cited by Women's Health and Genetics/Laboratory Corporation of America, LabCorp); PubMed 24670361 (cited by Women's Health and Genetics/Laboratory Corporation of America, LabCorp); PubMed 30702160 (cited by Sema4 and Quest Diagnostics Nichols Institute San Juan Capistrano); PubMed 26295337 (cited by Quest Diagnostics Nichols Institute San Juan Capistrano).